The following is an entry in ClinVar:

NM_032578.4(MYPN):c.187C>T (p.Leu63Phe)

Gene: MYPN (myopalladin; plus strand). Cytogenetic location: 10q21.3.
Variant type: single nucleotide variant.
Coding change: c.187C>T on transcript NM_032578.4 (MANE Select); coding-DNA position 187, C replaced by T.
Protein change: p.Leu63Phe; replaces leucine 63 with phenylalanine.
Molecular consequence: missense variant. On other transcripts: 5 prime UTR variant (1), non-coding transcript variant (1).
Genome position (GRCh38, 1-based): chr10:68,121,625, C>T. VCF-style: chr10-68121625-C-T. GRCh37 (hg19) VCF-style: chr10-69881382-C-T.
Other names: c.187C>T, p.Leu63Phe (NM_001256267.2); c.-936C>T (NM_001256268.2); short protein forms L63F.
Identifiers: ClinVar variation 4860695 (VCV004860695.1).
Genomic context (GRCh38, chr10:68,121,625, plus strand): 5'-CATTTCGGCAGTCCTTCTGGGGCCGCTGAAGGAGGCGGAGGCCAAGATGACCTTCCAGAT[C>T]TTTCAGCCTTTCTGAGCCAAGAAGAATTAGACGAAAGTGTCAATTTGGCAAGACTGGCCA-3'
Protein context (NP_115967.2, residues 53-73): GGGGQDDLPD[Leu63Phe]SAFLSQEELD

ClinVar aggregate classification (germline): Uncertain significance (1 of 4 stars; one submission).

Conditions:
Cardiovascular phenotype. Identifiers: MedGen CN230736.

gnomAD v4.1: 1 of 1,614,126 alleles (0.000062%); highest among the groups gnomAD compares: Admixed American, 0.0017%; no homozygotes.

Submission:

Ambry Genetics
Classification: Uncertain significance for Cardiovascular phenotype. Last evaluated: 2026-03-29. Review status: criteria provided, single submitter. Criteria: Ambry Variant Classification Scheme 2023. Collection method: clinical testing. Allele origin: germline.
Comment: The p.L63F variant (also known as c.187C>T), located in coding exon 1 of the MYPN gene, results from a C to T substitution at nucleotide position 187. The leucine at codon 63 is replaced by phenylalanine, an amino acid with highly similar properties. This amino acid position is conserved. In addition, the in silico prediction for this alteration is inconclusive. Based on the available evidence, the clinical significance of this variant remains unclear.